The following is an entry in ClinVar:

ClinVar aggregate classification (germline): Conflicting classifications of pathogenicity. Review status: criteria provided, conflicting classifications (1 of 4 stars). 2 submissions from 2 submitters: Uncertain significance (1); Likely benign (1). Last evaluated 2024-08-14.

Conditions:
Genitopatellar syndrome (GTPTS). Also called: Genitopatellar syndrome (GPS); ABSENT PATELLAE, SCROTAL HYPOPLASIA, RENAL ANOMALIES, FACIAL DYSMORPHISM, AND MENTAL RETARDATION. Identifiers: Orphanet 85201, MedGen C1853566, MONDO:0011640, OMIM 606170.
Inborn genetic diseases. Identifiers: MedGen C0950123, MeSH D030342.

Allele frequency attached by ClinVar (database versions not stated): ExAC 0.00003; gnomAD 0.00003; gnomAD exomes 0.00003; TOPMed 0.00003.
gnomAD v4.1: 42 of 1,613,964 alleles (0.0026%); highest among the groups gnomAD compares: Admixed American, 0.0083%; no homozygotes.

Submissions (2):

Ambry Genetics
Classification: Likely benign for Inborn genetic diseases. Last evaluated: 2024-08-14. Review status: criteria provided, single submitter. Criteria: Ambry Variant Classification Scheme 2023. Collection method: clinical testing. Allele origin: germline.

Labcorp Genetics (formerly Invitae), Labcorp
Classification: Uncertain significance for Genitopatellar syndrome. Last evaluated: 2023-12-26. Review status: criteria provided, single submitter. Criteria: Invitae Variant Classification Sherloc (09022015). Collection method: clinical testing. Allele origin: germline.
Comment: This sequence change replaces glycine, which is neutral and non-polar, with arginine, which is basic and polar, at codon 2052 of the KAT6B protein (p.Gly2052Arg). This variant is present in population databases (rs756847080, gnomAD 0.01%). This variant has not been reported in the literature in individuals affected with KAT6B-related conditions. ClinVar contains an entry for this variant (Variation ID: 1925465). An algorithm developed to predict the effect of missense changes on protein structure and function (PolyPhen-2) suggests that this variant is likely to be disruptive. In summary, the available evidence is currently insufficient to determine the role of this variant in disease. Therefore, it has been classified as a Variant of Uncertain Significance.

NM_012330.4(KAT6B):c.6154G>A (p.Gly2052Arg)

Gene: KAT6B (lysine acetyltransferase 6B; plus strand). Cytogenetic location: 10q22.2.
Variant type: single nucleotide variant.
Coding change: c.6154G>A on transcript NM_012330.4 (MANE Select); coding-DNA position 6154, G replaced by A.
Protein change: p.Gly2052Arg; replaces glycine 2052 with arginine.
Molecular consequence: missense variant.
Genome position (GRCh38, 1-based): chr10:75,030,978, G>A. VCF-style: chr10-75030978-G-A. GRCh37 (hg19) VCF-style: chr10-76790736-G-A.
Other names: c.6154G>A (NM_012330.2); c.5605G>A, p.Gly1869Arg (NM_001256468.2, NM_001370138.1); c.5278G>A, p.Gly1760Arg (NM_001256469.2, NM_001370139.1, NM_001370140.1 and 2 more transcripts); c.5116G>A, p.Gly1706Arg (NM_001370132.1); c.4465G>A, p.Gly1489Arg (NM_001370133.1); c.4069G>A, p.Gly1357Arg (NM_001370134.1); c.3811G>A, p.Gly1271Arg (NM_001370135.1); c.6154G>A, p.Gly2052Arg (NM_001370136.1, NM_001370137.1); and 1 more; short protein forms G1706R, G1357R, G1697R, G1760R, G2052R, G1271R, G1489R, G1869R.
Identifiers: ClinVar variation 1925465 (VCV001925465.6), dbSNP rs756847080, ClinGen allele CA5565320.